The following is an entry in ClinVar:

ClinVar aggregate classification (germline): Uncertain significance. Review status: criteria provided, multiple submitters, no conflicts (2 of 4 stars). 3 submissions from 3 submitters: Uncertain significance (3). Last evaluated 2024-09-19.

Conditions:
Emery-Dreifuss muscular dystrophy 5, autosomal dominant (EDMD5). Also called: EMERY-DREIFUSS MUSCULAR DYSTROPHY 5. Identifiers: Orphanet 261, MedGen C2751805, MONDO:0013072, OMIM 612999.

Allele frequency attached by ClinVar (database versions not stated): TOPMed 0.00002; gnomAD 0.00003 and 0.00005; ExAC 0.00006; gnomAD exomes 0.00006 and 0.00008; 1000 Genomes Project 30x 0.00016; ESP Exome Variant Server 0.00016; 1000 Genomes Project 0.00020.
gnomAD v4.1: 88 of 1,614,162 alleles (0.0055%); highest among the groups gnomAD compares: South Asian, 0.072%; 1 homozygote.

Submissions (3):

Revvity Omics, Revvity
Classification: Uncertain significance for Emery-Dreifuss muscular dystrophy 5, autosomal dominant. Last evaluated: 2024-09-19. Review status: criteria provided, single submitter. Criteria: ACMG Guidelines, 2015. Collection method: clinical testing. Allele origin: germline.

Ambry Genetics
Classification: Uncertain significance. Last evaluated: 2023-04-25. Review status: criteria provided, single submitter. Criteria: Ambry Variant Classification Scheme 2023. Collection method: clinical testing. Allele origin: germline.

Labcorp Genetics (formerly Invitae), Labcorp
Classification: Uncertain significance for Emery-Dreifuss muscular dystrophy 5, autosomal dominant. Last evaluated: 2020-05-21. Review status: criteria provided, single submitter. Criteria: Invitae Variant Classification Sherloc (09022015). Collection method: clinical testing. Allele origin: germline.
Comment: In summary, the available evidence is currently insufficient to determine the role of this variant in disease. Therefore, it has been classified as a Variant of Uncertain Significance. Algorithms developed to predict the effect of missense changes on protein structure and function are either unavailable or do not agree on the potential impact of this missense change (SIFT: "Tolerated"; PolyPhen-2: "Possibly Damaging"; Align-GVGD: "Class C0"). This variant has not been reported in the literature in individuals with SYNE2-related conditions. This variant is present in population databases (rs376654106, ExAC 0.04%). This sequence change replaces glutamic acid with lysine at codon 3465 of the SYNE2 protein (p.Glu3465Lys). The glutamic acid residue is weakly conserved and there is a small physicochemical difference between glutamic acid and lysine.

NM_182914.3(SYNE2):c.10393G>A (p.Glu3465Lys)

Gene: SYNE2 (spectrin repeat containing nuclear envelope protein 2; plus strand). Cytogenetic location: 14q23.2.
Variant type: single nucleotide variant.
Coding change: c.10393G>A on transcript NM_182914.3 (MANE Select); coding-DNA position 10393, G replaced by A.
Protein change: p.Glu3465Lys; replaces glutamic acid 3465 with lysine.
Molecular consequence: missense variant.
Genome position (GRCh38, 1-based): chr14:64,065,612, G>A. VCF-style: chr14-64065612-G-A. GRCh37 (hg19) VCF-style: chr14-64532330-G-A.
Other names: c.10393G>A (NM_182914.2); c.10393G>A, p.Glu3465Lys (NM_015180.6); short protein forms E3465K.
Identifiers: ClinVar variation 1037019 (VCV001037019.11), dbSNP rs376654106, ClinGen allele CA7221493.